The following is an entry in ClinVar:

ClinVar aggregate classification (germline): Uncertain significance (1 of 4 stars; one submission).

Conditions:
PCDH15-related disorder. Also called: PCDH15-related disorders; PCDH15-related condition.

gnomAD v4.1: 3 of 1,606,252 alleles (0.00019%); highest among the groups gnomAD compares: African/African-American, 0.004%; no homozygotes.

Submission:

PreventionGenetics, part of Exact Sciences
Classification: Uncertain significance for PCDH15-related condition. Last evaluated: 2026-02-24. Review status: criteria provided, single submitter. Criteria: ACMG Guidelines, 2015. Collection method: clinical testing. Allele origin: germline.
Comment: The PCDH15 c.1068C>G variant is predicted to result in the amino acid substitution p.Asp356Glu. To our knowledge, this variant has not been reported in the literature. This variant is reported in 0.011% of alleles in individuals of African descent in gnomAD. At this time, the clinical significance of this variant is uncertain due to the absence of conclusive functional and genetic evidence.

NM_001384140.1(PCDH15):c.1068C>G (p.Asp356Glu)

Gene: PCDH15 (protocadherin related 15; minus strand). Cytogenetic location: 10q21.1.
Variant type: single nucleotide variant.
Coding change: c.1068C>G on transcript NM_001384140.1 (MANE Select); coding-DNA position 1068, C replaced by G.
Protein change: p.Asp356Glu; replaces aspartic acid 356 with glutamic acid.
Molecular consequence: missense variant.
Genome position (GRCh38, 1-based): chr10:54,213,966, G>C on the plus strand (C>G on the coding strand, the complement: PCDH15 is on the minus strand). VCF-style: chr10-54213966-G-C. GRCh37 (hg19) VCF-style: chr10-55973726-G-C.
Other names: c.1083C>G, p.Asp361Glu (NM_001142763.2, NM_001142769.4, NM_001142771.2); c.1068C>G, p.Asp356Glu (NM_001142764.2, NM_001142765.2, NM_001142766.2 and 7 more transcripts); c.957C>G, p.Asp319Glu (NM_001142767.2); c.1002C>G, p.Asp334Glu (NM_001142768.2, NM_001142773.2, NM_001354404.2); short protein forms D334E, D356E, D319E, D361E.
Identifiers: ClinVar variation 4989425 (VCV004989425.1).